The following is an entry in ClinVar:

ClinVar aggregate classification (germline): Uncertain significance (1 of 4 stars; one submission).

Conditions:
Congenital myasthenic syndrome 8. Also called: MYASTHENIC SYNDROME, CONGENITAL, DUE TO AGRIN DEFICIENCY; Myasthenic syndrome, congenital, 8, with pre- and postsynaptic defects. Identifiers: Orphanet 590, MedGen C3808739, MONDO:0014052, OMIM 615120.

Submission:

Labcorp Genetics (formerly Invitae), Labcorp
Classification: Uncertain significance for Congenital myasthenic syndrome 8. Last evaluated: 2022-07-19. Review status: criteria provided, single submitter. Criteria: Invitae Variant Classification Sherloc (09022015). Collection method: clinical testing. Allele origin: germline.
Comment: In summary, the available evidence is currently insufficient to determine the role of this variant in disease. Therefore, it has been classified as a Variant of Uncertain Significance. Algorithms developed to predict the effect of missense changes on protein structure and function are either unavailable or do not agree on the potential impact of this missense change (SIFT: "Deleterious"; PolyPhen-2: "Probably Damaging"; Align-GVGD: "Class C0"). ClinVar contains an entry for this variant (Variation ID: 955836). This variant has not been reported in the literature in individuals affected with AGRN-related conditions. This variant is not present in population databases (gnomAD no frequency). This sequence change replaces arginine, which is basic and polar, with proline, which is neutral and non-polar, at codon 1734 of the AGRN protein (p.Arg1734Pro).

NM_198576.4(AGRN):c.5201G>C (p.Arg1734Pro)

Genes: AGRN (agrin; plus strand), LOC129929078 (ATAC-STARR-seq lymphoblastoid silent region 24; plus strand). Cytogenetic location: 1p36.33.
Variant type: single nucleotide variant.
Coding change: c.5201G>C on transcript NM_198576.4 (MANE Select); coding-DNA position 5201, G replaced by C.
Protein change: p.Arg1734Pro; replaces arginine 1734 with proline.
Molecular consequence: missense variant.
Genome position (GRCh38, 1-based): chr1:1,050,785, G>C. VCF-style: chr1-1050785-G-C. GRCh37 (hg19) VCF-style: chr1-986165-G-C.
Other names: c.5201G>C, p.Arg1734Pro (NM_001305275.2); c.4886G>C, p.Arg1629Pro (NM_001364727.2); short protein forms R1629P, R1734P.
Identifiers: ClinVar variation 955836 (VCV000955836.10), dbSNP rs145444272, ClinGen allele CA337781021.